The following is an entry in ClinVar:

ClinVar aggregate classification (germline): Likely benign. Review status: criteria provided, multiple submitters, no conflicts (2 of 4 stars). 2 submissions from 2 submitters: Likely benign (2). Last evaluated 2024-05-01.

Allele frequency attached by ClinVar (database versions not stated): gnomAD 0.00007; ExAC 0.00008; ESP Exome Variant Server 0.00008; TOPMed 0.00012.
gnomAD v4.1: 51 of 1,614,034 alleles (0.0032%); highest among the groups gnomAD compares: Middle Eastern, 0.082%; no homozygotes.

Submissions (2):

CeGaT Center for Human Genetics Tuebingen
Classification: Likely benign. Last evaluated: 2024-05-01. Review status: criteria provided, single submitter. Criteria: CeGaT Center For Human Genetics Tuebingen Variant Classification Criteria Version 2. Collection method: clinical testing. Allele origin: germline. Affected: yes. Observed: 2 variant alleles.
Comment: TRIO: BP4, BP7

Blueprint Genetics
Classification: Likely benign. Last evaluated: 2022-10-07. Review status: criteria provided, single submitter. Criteria: ACMG Guidelines, 2015. Collection method: clinical testing. Allele origin: germline.

NM_007118.4(TRIO):c.1248G>A (p.Ser416=)

Gene: TRIO (trio Rho guanine nucleotide exchange factor; plus strand). Cytogenetic location: 5p15.2.
Variant type: single nucleotide variant.
Coding change: c.1248G>A on transcript NM_007118.4 (MANE Select); coding-DNA position 1248, G replaced by A.
Protein change: p.Ser416=; no amino-acid change (serine 416 retained).
Molecular consequence: synonymous variant. On other transcripts: non-coding transcript variant (1).
Genome position (GRCh38, 1-based): chr5:14,297,143, G>A. VCF-style: chr5-14297143-G-A. GRCh37 (hg19) VCF-style: chr5-14297252-G-A.
Identifiers: ClinVar variation 2655307 (VCV002655307.25), dbSNP rs370222007, ClinGen allele CA3205596.
Genomic context (GRCh38, chr5:14,297,143, plus strand): 5'-AAATATAAACCGCATCATGTCGGTGGCCAATCGTCTGGTGGAGTCTGGCCACTATGCCTC[G>A]CAGCAGATCAGGCAGATCGCGAGTCAGCTGGAGCAGGAGTGGAAGGCGTTTGCGGCAGCC-3'
Protein context (NP_009049.2, residues 406-426): NRLVESGHYA[Ser416=]QQIRQIASQL